The following is an entry in ClinVar:

NM_004415.4(DSP):c.7277A>C (p.Tyr2426Ser)

Gene: DSP (desmoplakin; plus strand). Cytogenetic location: 6p24.3.
Variant type: single nucleotide variant.
Coding change: c.7277A>C on transcript NM_004415.4 (MANE Select); coding-DNA position 7277, A replaced by C.
Protein change: p.Tyr2426Ser; replaces tyrosine 2426 with serine.
Molecular consequence: missense variant.
Genome position (GRCh38, 1-based): chr6:7,584,539, A>C. VCF-style: chr6-7584539-A-C. GRCh37 (hg19) VCF-style: chr6-7584772-A-C.
Other names: c.5480A>C, p.Tyr1827Ser (NM_001008844.3); c.5948A>C, p.Tyr1983Ser (NM_001319034.2); short protein forms Y1827S, Y1983S, Y2426S.
Identifiers: ClinVar variation 3069479 (VCV003069479.1), dbSNP rs2533944884, ClinGen allele CA362692641.

ClinVar aggregate classification (germline): Uncertain significance (1 of 4 stars; one submission).

Conditions:
Arrhythmogenic cardiomyopathy with wooly hair and keratoderma. Also called: Carvajal syndrome; PALMOPLANTAR KERATODERMA WITH LEFT VENTRICULAR CARDIOMYOPATHY AND WOOLLY HAIR; Dilated cardiomyopathy with woolly hair and keratoderma; Arrhythmogenic cardiomyopathy with woolly hair and keratoderma. Identifiers: Orphanet 65282, MedGen C1854063, MONDO:0011581, OMIM 605676.

Submission:

All of Us Research Program, National Institutes of Health
Classification: Uncertain significance for Arrhythmogenic cardiomyopathy with wooly hair and keratoderma. Last evaluated: 2023-03-04. Review status: criteria provided, single submitter. Criteria: ACMG Guidelines, 2015. Collection method: clinical testing. Allele origin: germline. Inheritance: Autosomal dominant inheritance. Observed: 1 variant allele, 1 heterozygote.
Comment: This study involves interpretation of variants in research participants for the purpose of population health screening. Participant phenotype was not available at the time of variant classification. Additional details can be found in publication PMID: 35346344, PMCID: PMC8962531